The following is an entry in ClinVar:

ClinVar aggregate classification (germline): Uncertain significance. Review status: criteria provided, multiple submitters, no conflicts (2 of 4 stars). 2 submissions from 2 submitters: Uncertain significance (2). Last evaluated 2025-03-25.

Conditions:
Emery-Dreifuss muscular dystrophy 5, autosomal dominant (EDMD5). Also called: EMERY-DREIFUSS MUSCULAR DYSTROPHY 5. Identifiers: Orphanet 261, MedGen C2751805, MONDO:0013072, OMIM 612999.

Allele frequency attached by ClinVar (database versions not stated): gnomAD exomes 0.00001; gnomAD 0.00004; TOPMed 0.00005; ESP Exome Variant Server 0.00008.
gnomAD v4.1: 18 of 1,614,008 alleles (0.0011%); highest among the groups gnomAD compares: African/African-American, 0.02%; no homozygotes.

Submissions (2):

Ambry Genetics
Classification: Uncertain significance. Last evaluated: 2025-03-25. Review status: criteria provided, single submitter. Criteria: Ambry Variant Classification Scheme 2023. Collection method: clinical testing. Allele origin: germline.

Labcorp Genetics (formerly Invitae), Labcorp
Classification: Uncertain significance for Emery-Dreifuss muscular dystrophy 5, autosomal dominant. Last evaluated: 2024-12-24. Review status: criteria provided, single submitter. Criteria: Invitae Variant Classification Sherloc (09022015). Collection method: clinical testing. Allele origin: germline.
Comment: This sequence change replaces glutamic acid, which is acidic and polar, with lysine, which is basic and polar, at codon 4683 of the SYNE2 protein (p.Glu4683Lys). This variant is present in population databases (rs146157227, gnomAD 0.02%). This variant has not been reported in the literature in individuals affected with SYNE2-related conditions. ClinVar contains an entry for this variant (Variation ID: 1490659). An algorithm developed to predict the effect of missense changes on protein structure and function (PolyPhen-2) suggests that this variant is likely to be tolerated. In summary, the available evidence is currently insufficient to determine the role of this variant in disease. Therefore, it has been classified as a Variant of Uncertain Significance.

NM_182914.3(SYNE2):c.14047G>A (p.Glu4683Lys)

Gene: SYNE2 (spectrin repeat containing nuclear envelope protein 2; plus strand). Cytogenetic location: 14q23.2.
Variant type: single nucleotide variant.
Coding change: c.14047G>A on transcript NM_182914.3 (MANE Select); coding-DNA position 14047, G replaced by A.
Protein change: p.Glu4683Lys; replaces glutamic acid 4683 with lysine.
Molecular consequence: missense variant.
Genome position (GRCh38, 1-based): chr14:64,129,809, G>A. VCF-style: chr14-64129809-G-A. GRCh37 (hg19) VCF-style: chr14-64596527-G-A.
Other names: c.14047G>A, p.Glu4683Lys (NM_015180.6); c.14047G>A (NM_182914.2); short protein forms E4683K.
Identifiers: ClinVar variation 1490659 (VCV001490659.6), dbSNP rs146157227, ClinGen allele CA261852854.